The following is an entry in ClinVar:

ClinVar aggregate classification (germline): Pathogenic. Review status: no assertion criteria provided (0 of 4 stars). 2 submissions from 2 submitters: Pathogenic (2). Last evaluated 2013-08-29.

Conditions:
Holoprosencephaly 3 (HPE3). Identifiers: Orphanet 2162, MedGen C1840529, MONDO:0007733, OMIM 142945.

Submissions (2):

GeneReviews
Classification: Pathogenic for Holoprosencephaly. Last evaluated: 2013-08-29. Review status: no assertion criteria provided. Collection method: curation. Allele origin: unknown.
ClinVar note: Converted during submission from pathologic to Pathogenic.

OMIM
Classification: Pathogenic for HOLOPROSENCEPHALY 3. Last evaluated: 1997-10-01. Review status: no assertion criteria provided. Collection method: literature only. Allele origin: germline.

Literature cited by the submitters: PubMed 9302262 (cited by OMIM).

NM_000193.4(SHH):c.788_808del (p.Arg263_Ala269del)

Gene: SHH (sonic hedgehog signaling molecule; minus strand). Cytogenetic location: 7q36.3.
Variant type: Deletion.
Coding change: c.788_808del on transcript NM_000193.4 (MANE Select); coding-DNA positions 788 to 808, 21 bases deleted (GCCTGCTGCTCACCGCCGCGC).
Protein change: p.Arg263_Ala269del.
Molecular consequence: inframe deletion. On other transcripts: intron variant (1).
Genome position (GRCh38, 1-based): chr7:155,803,481-155,803,501, GCGCGGCGGTGAGCAGCAGGC deleted on the plus strand (GCCTGCTGCTCACCGCCGCGC on the coding strand, the reverse complement: SHH is on the minus strand); deleting any 21 consecutive bases within chr7:155,803,481-155,803,503 gives the same sequence; the c. name uses the placement nearest the transcript's 3' end. VCF-style (leftmost placement, unchanged base first): chr7-155803480-TGCGCGGCGGTGAGCAGCAGGC-T. GRCh37 (hg19) VCF-style: chr7-155596174-TGCGCGGCGGTGAGCAGCAGGC-T.
Other names: c.939-959del; c.301+2795_301+2815del (NM_001310462.2).
Identifiers: ClinVar variation 8884 (VCV000008884.2), dbSNP rs397515375, ClinGen allele CA340835.